The following is an entry in ClinVar:

NC_000010.10:g.(?_99344451)_(99344681_?)del

Gene: HOGA1 (4-hydroxy-2-oxoglutarate aldolase 1; plus strand). Cytogenetic location: 10q24.2.
Variant type: Deletion.
Identifiers: ClinVar variation 2427238 (VCV002427238.4).

ClinVar aggregate classification (germline): Pathogenic (1 of 4 stars; one submission).

Submission:

Labcorp Genetics (formerly Invitae), Labcorp
Classification: Pathogenic. Last evaluated: 2022-03-31. Review status: criteria provided, single submitter. Criteria: Invitae Variant Classification Sherloc (09022015). Collection method: clinical testing. Allele origin: germline.
Comment: For these reasons, this variant has been classified as Pathogenic. This variant has not been reported in the literature in individuals affected with HOGA1-related conditions. This variant is a gross deletion of the genomic region encompassing exon(s) 1 of the HOGA1 gene, which includes the initiator codon. This deletion extends beyond the assayed region for this gene and therefore may encompass additional genes. It is expected to result in an absent or disrupted protein product. Loss-of-function variants in HOGA1 are known to be pathogenic (PMID: 22391140, 22781098).

Literature cited by the submitters: PubMed 22391140; PubMed 22781098.